The following is an entry in ClinVar:

ClinVar aggregate classification (germline): Uncertain significance. Review status: criteria provided, multiple submitters, no conflicts (2 of 4 stars). 2 submissions from 2 submitters: Uncertain significance (2). Last evaluated 2025-11-24.

Submissions (2):

Labcorp Genetics (formerly Invitae), Labcorp
Classification: Uncertain significance. Last evaluated: 2025-11-24. Review status: criteria provided, single submitter. Criteria: Invitae Variant Classification Sherloc (09022015). Collection method: clinical testing. Allele origin: germline.
Comment: This sequence change replaces glutamine, which is neutral and polar, with arginine, which is basic and polar, at codon 224 of the ICOSLG protein (p.Gln224Arg). This variant is present in population databases (rs768545480, gnomAD 0.002%). This variant has not been reported in the literature in individuals affected with ICOSLG-related conditions. ClinVar contains an entry for this variant (Variation ID: 1924412). An algorithm developed to predict the effect of missense changes on protein structure and function (PolyPhen-2) suggests that this variant is likely to be disruptive. In summary, the available evidence is currently insufficient to determine the role of this variant in disease. Therefore, it has been classified as a Variant of Uncertain Significance.

Ambry Genetics
Classification: Uncertain significance. Last evaluated: 2023-09-22. Review status: criteria provided, single submitter. Criteria: Ambry Variant Classification Scheme 2023. Collection method: clinical testing. Allele origin: germline.

NM_015259.6(ICOSLG):c.671A>G (p.Gln224Arg)

Gene: ICOSLG (inducible T cell costimulator ligand; minus strand). Cytogenetic location: 21q22.3.
Variant type: single nucleotide variant.
Coding change: c.671A>G on transcript NM_015259.6 (MANE Select); coding-DNA position 671, A replaced by G.
Protein change: p.Gln224Arg; replaces glutamine 224 with arginine.
Molecular consequence: missense variant.
Genome position (GRCh38, 1-based): chr21:44,235,298, T>C on the plus strand (A>G on the coding strand, the complement: ICOSLG is on the minus strand). VCF-style: chr21-44235298-T-C. GRCh37 (hg19) VCF-style: chr21-45655181-T-C.
Other names: c.671A>G, p.Gln224Arg (NM_001283050.2, NM_001395918.1); c.320A>G, p.Gln107Arg (NM_001283051.2); c.416A>G, p.Gln139Arg (NM_001283052.2); c.590A>G, p.Gln197Arg (NM_001365759.2); c.671A>G (NM_015259.4); short protein forms Q197R, Q107R, Q139R, Q224R.
Identifiers: ClinVar variation 1924412 (VCV001924412.6), dbSNP rs768545480, ClinGen allele CA321497059.